The following is an entry in ClinVar:

NC_000009.11:g.(?_6604568)_(6645499_?)dup

Gene: GLDC (glycine decarboxylase; minus strand). Cytogenetic location: 9p24.1.
Variant type: Duplication.
Identifiers: ClinVar variation 1480395 (VCV001480395.6).

ClinVar aggregate classification (germline): Uncertain significance (1 of 4 stars; one submission).

Conditions:
Glycine encephalopathy. Also called: Non-ketotic hyperglycinemia; Nonketotic hyperglycinemia. Identifiers: Orphanet 407, MedGen C0751748, MONDO:0011612, HP:0008288.

Submission:

Labcorp Genetics (formerly Invitae), Labcorp
Classification: Uncertain significance for Glycine encephalopathy. Last evaluated: 2021-08-17. Review status: criteria provided, single submitter. Criteria: Invitae Variant Classification Sherloc (09022015). Collection method: clinical testing. Allele origin: germline.
Comment: This variant results in a copy number gain of the genomic region encompassing exon(s) 1-7 of the GLDC gene. This region includes the initiator codon of the gene. This copy number gain extends beyond the assayed region for this gene and therefore may encompass additional genes. As the precise location of this event is unknown, it may be in tandem or it may be located elsewhere in the genome. This variant has not been reported in the literature in individuals affected with GLDC-related conditions. In summary, the available evidence is currently insufficient to determine the role of this variant in disease. Therefore, it has been classified as a Variant of Uncertain Significance.